The following is an entry in ClinVar:

NM_001458.5(FLNC):c.6472C>T (p.Leu2158Phe)

Genes: FLNC (filamin C; plus strand), FLNC-AS1 (FLNC antisense RNA 1; minus strand). Cytogenetic location: 7q32.1.
Variant type: single nucleotide variant.
Coding change: c.6472C>T on transcript NM_001458.5 (MANE Select); coding-DNA position 6472, C replaced by T.
Protein change: p.Leu2158Phe; replaces leucine 2158 with phenylalanine.
Molecular consequence: missense variant.
Genome position (GRCh38, 1-based): chr7:128,853,825, C>T. VCF-style: chr7-128853825-C-T. GRCh37 (hg19) VCF-style: chr7-128493879-C-T.
Other names: c.6373C>T, p.Leu2125Phe (NM_001127487.2); short protein forms L2158F, L2125F.
Identifiers: ClinVar variation 2942560 (VCV002942560.4), dbSNP rs752213147, ClinGen allele CA4475982.

ClinVar aggregate classification (germline): Uncertain significance. Review status: criteria provided, multiple submitters, no conflicts (2 of 4 stars). 2 submissions from 2 submitters: Uncertain significance (2). Last evaluated 2025-01-12.

Conditions:
Hypertrophic cardiomyopathy 26. Also called: Cardiomyopathy, familial hypertrophic, 26. Identifiers: Orphanet 75249, MedGen C4310749, MONDO:0014883, OMIM 617047.
Myofibrillar myopathy 5. Also called: Filaminopathy (type); FILAMINOPATHY, AUTOSOMAL DOMINANT. Identifiers: Orphanet 171445, MedGen C1836050, MONDO:0012289, OMIM 609524.
Distal myopathy with posterior leg and anterior hand involvement. Also called: WILLIAMS DISTAL MYOPATHY. Identifiers: Orphanet 63273, MedGen C3279722, MONDO:0013550, OMIM 614065.

Allele frequency attached by ClinVar (database versions not stated): gnomAD exomes below 0.00001; ExAC 0.00001.
gnomAD v4.1: 2 of 1,613,482 alleles (0.00012%); highest among the groups gnomAD compares: Non-Finnish European, 0.00017%; no homozygotes.

Submissions (2):

GeneDx
Classification: Uncertain significance. Last evaluated: 2025-01-12. Review status: criteria provided, single submitter. Criteria: GeneDx Variant Classification Process June 2021. Collection method: clinical testing. Allele origin: germline. Affected: yes.
Comment: Not observed at significant frequency in large population cohorts (gnomAD); In silico analysis supports that this missense variant has a deleterious effect on protein structure/function; Has not been previously published as pathogenic or benign to our knowledge

Labcorp Genetics (formerly Invitae), Labcorp
Classification: Uncertain significance for Distal myopathy with posterior leg and anterior hand involvement; Myofibrillar myopathy 5; Hypertrophic cardiomyopathy 26. Last evaluated: 2023-12-14. Review status: criteria provided, single submitter. Criteria: Invitae Variant Classification Sherloc (09022015). Collection method: clinical testing. Allele origin: germline.
Comment: This sequence change replaces leucine, which is neutral and non-polar, with phenylalanine, which is neutral and non-polar, at codon 2158 of the FLNC protein (p.Leu2158Phe). This variant is present in population databases (rs752213147, gnomAD 0.0009%). This variant has not been reported in the literature in individuals affected with FLNC-related conditions. Advanced modeling of protein sequence and biophysical properties (such as structural, functional, and spatial information, amino acid conservation, physicochemical variation, residue mobility, and thermodynamic stability) has been performed at Invitae for this missense variant, however the output from this modeling did not meet the statistical confidence thresholds required to predict the impact of this variant on FLNC protein function. In summary, the available evidence is currently insufficient to determine the role of this variant in disease. Therefore, it has been classified as a Variant of Uncertain Significance.